The following is an entry in ClinVar:

ClinVar aggregate classification (germline): Uncertain significance (1 of 4 stars; one submission).

Conditions:
Hereditary pancreatitis (PCTT). Also called: Hereditary chronic pancreatitis; PRSS1-Related Hereditary Pancreatitis. Identifiers: Orphanet 676, MedGen C0238339, MONDO:0008185, OMIM 167800.

Allele frequency attached by ClinVar (database versions not stated): gnomAD exomes below 0.00001.
gnomAD v4.1: 3 of 1,614,070 alleles (0.00019%); highest among the groups gnomAD compares: African/African-American, 0.0027%; no homozygotes.

Submission:

Ambry Genetics
Classification: Uncertain significance for Hereditary pancreatitis. Last evaluated: 2023-11-05. Review status: criteria provided, single submitter. Criteria: Ambry Variant Classification Scheme 2023. Collection method: clinical testing. Allele origin: germline.
Comment: The p.S99P variant (also known as c.295T>C), located in coding exon 4 of the CTRC gene, results from a T to C substitution at nucleotide position 295. The serine at codon 99 is replaced by proline, an amino acid with similar properties. This amino acid position is conserved. In addition, the in silico prediction for this alteration is inconclusive. Since supporting evidence is limited at this time, the clinical significance of this alteration remains unclear.

NM_007272.3(CTRC):c.295T>C (p.Ser99Pro)

Gene: CTRC (chymotrypsin C; plus strand). Cytogenetic location: 1p36.21.
Variant type: single nucleotide variant.
Coding change: c.295T>C on transcript NM_007272.3 (MANE Select); coding-DNA position 295, T replaced by C.
Protein change: p.Ser99Pro; replaces serine 99 with proline.
Molecular consequence: missense variant.
Genome position (GRCh38, 1-based): chr1:15,442,511, T>C. VCF-style: chr1-15442511-T-C. GRCh37 (hg19) VCF-style: chr1-15769007-T-C.
Other names: short protein forms S99P.
Identifiers: ClinVar variation 3226063 (VCV003226063.1), dbSNP rs2526294543, ClinGen allele CA338565468.